The following is an entry in ClinVar:

NC_000023.10:g.(?_22186468)_(22186740_?)del

Gene: PHEX (phosphate regulating endopeptidase X-linked; plus strand). Cytogenetic location: Xp22.11.
Variant type: Deletion.
Identifiers: ClinVar variation 3246166 (VCV003246166.1).

ClinVar aggregate classification (germline): Likely pathogenic (1 of 4 stars; one submission).

Submission:

Labcorp Genetics (formerly Invitae), Labcorp
Classification: Likely pathogenic. Last evaluated: 2020-12-08. Review status: criteria provided, single submitter. Criteria: Invitae Variant Classification Sherloc (09022015). Collection method: clinical testing. Allele origin: unknown.
Comment: In summary, the currently available evidence indicates that the variant is pathogenic, but additional data are needed to prove that conclusively. Therefore, this variant has been classified as Likely Pathogenic. Experimental studies and prediction algorithms are not available or were not evaluated, and the effect of this variant on mRNA splicing is currently unknown. This variant has been observed in individual(s) with X-linked hypophosphatemia (Invitae). This variant results in the deletion of part of exon 13 (c.1444_1482+234del) of the PHEX gene. It is expected to disrupt RNA splicing. Variants that disrupt the donor or acceptor splice site typically lead to a loss of protein function (PMID: 16199547), and loss-of-function variants in PHEX are known to be pathogenic (PMID: 9097956, 9106524, 19219621).

Literature cited by the submitters: PubMed 16199547; PubMed 9097956; PubMed 9106524; PubMed 19219621.